The following is an entry in ClinVar:

ClinVar aggregate classification (germline): Likely benign. Review status: criteria provided, multiple submitters, no conflicts (2 of 4 stars). 2 submissions from 2 submitters: Likely benign (2). Last evaluated 2026-05-04.

Allele frequency attached by ClinVar (database versions not stated): ExAC 0.00018; gnomAD 0.00042 and 0.00038; TOPMed 0.00037; gnomAD exomes 0.00011 and 0.00020; ESP Exome Variant Server 0.00069.
gnomAD v4.1: 222 of 1,613,804 alleles (0.014%); highest among the groups gnomAD compares: African/African-American, 0.11%; no homozygotes.

Submissions (2):

Women's Health and Genetics/Laboratory Corporation of America, LabCorp
Classification: Likely benign. Last evaluated: 2026-05-04. Review status: criteria provided, single submitter. Criteria: LabCorp Variant Classification Summary - May 2015. Collection method: clinical testing. Allele origin: germline.
Comment: Variant summary: FCHO1 c.388G>A (p.Val130Ile) results in a conservative amino acid change in the encoded protein sequence. Algorithms developed to predict the effect of missense changes on protein structure and function all suggest that this variant is likely to be tolerated. The variant allele was found at a frequency of 0.0002 in 250854 control chromosomes, predominantly at a frequency of 0.0012 within the African or African-American subpopulation in the gnomAD database. The observed variant frequency within African or African-American control individuals in the gnomAD database exceeds the estimated maximal expected allele frequency for disease-causing variants in FCHO1. To our knowledge, no occurrence of c.388G>A in individuals affected with FCHO1-related conditions and no experimental evidence demonstrating its impact on protein function have been reported. ClinVar contains an entry for this variant (Variation ID: 1093404). Based on the evidence outlined above, the variant was classified as likely benign.

Labcorp Genetics (formerly Invitae), Labcorp
Classification: Likely benign. Last evaluated: 2025-12-23. Review status: criteria provided, single submitter. Criteria: Invitae Variant Classification Sherloc (09022015). Collection method: clinical testing. Allele origin: germline.

NM_015122.3(FCHO1):c.388G>A (p.Val130Ile)

Gene: FCHO1 (FCH and mu domain containing endocytic adaptor 1; plus strand). Cytogenetic location: 19p13.11.
Variant type: single nucleotide variant.
Coding change: c.388G>A on transcript NM_015122.3 (MANE Select); coding-DNA position 388, G replaced by A.
Protein change: p.Val130Ile; replaces valine 130 with isoleucine.
Molecular consequence: missense variant. On other transcripts: non-coding transcript variant (36).
Genome position (GRCh38, 1-based): chr19:17,770,476, G>A. VCF-style: chr19-17770476-G-A. GRCh37 (hg19) VCF-style: chr19-17881285-G-A.
Other names: c.388G>A, p.Val130Ile (NM_001161357.2, NM_001161358.2, NM_001384370.1 and 26 more transcripts); c.238G>A, p.Val80Ile (NM_001161359.2, NM_001384384.1, NM_001384385.1 and 3 more transcripts); c.349G>A, p.Val117Ile (NM_001384388.1, NM_001384389.1, NM_001384405.1); c.313G>A, p.Val105Ile (NM_001384390.1); short protein forms V105I, V117I, V130I, V80I.
Identifiers: ClinVar variation 1093404 (VCV001093404.11), dbSNP rs140181398, ClinGen allele CA9300079.
Genomic context (GRCh38, chr19:17,770,476, plus strand): 5'-ACCCCGCAGTGCAAGGAGGAAGTGGTGAGCACCTTGGATGCTGTGCAGGTACTCTCGGGC[G>A]TCAGCCAGCTCCTGCCCAAGTCCCGCGAGAACTACCTGAACCGTTGCATGGACCAGGAGC-3'
Protein context (NP_055937.1, residues 120-140): TLDAVQVLSG[Val130Ile]SQLLPKSREN